The following is an entry in ClinVar:

NM_001961.4(EEF2):c.2018A>G (p.Asn673Ser)

Gene: EEF2 (eukaryotic translation elongation factor 2; minus strand). Cytogenetic location: 19p13.3.
Variant type: single nucleotide variant.
Coding change: c.2018A>G on transcript NM_001961.4 (MANE Select); coding-DNA position 2018, A replaced by G.
Protein change: p.Asn673Ser; replaces asparagine 673 with serine.
Molecular consequence: missense variant.
Genome position (GRCh38, 1-based): chr19:3,977,868, T>C on the plus strand (A>G on the coding strand, the complement: EEF2 is on the minus strand). VCF-style: chr19-3977868-T-C. GRCh37 (hg19) VCF-style: chr19-3977866-T-C.
Other names: c.2018A>G (NM_001961.3); short protein forms N673S.
Identifiers: ClinVar variation 2971631 (VCV002971631.4), dbSNP rs144336814, ClinGen allele CA9088707.

ClinVar aggregate classification (germline): Uncertain significance. Review status: criteria provided, multiple submitters, no conflicts (2 of 4 stars). 2 submissions from 2 submitters: Uncertain significance (2). Last evaluated 2025-06-29.

Allele frequency attached by ClinVar (database versions not stated): gnomAD 0.00001; TOPMed 0.00001; ExAC 0.00007; ESP Exome Variant Server 0.00008.
gnomAD v4.1: 36 of 1,611,048 alleles (0.0022%); highest among the groups gnomAD compares: Admixed American, 0.012%; no homozygotes.

Submissions (2):

Ambry Genetics
Classification: Uncertain significance. Last evaluated: 2025-06-29. Review status: criteria provided, single submitter. Criteria: Ambry Variant Classification Scheme 2023. Collection method: clinical testing. Allele origin: germline.

Labcorp Genetics (formerly Invitae), Labcorp
Classification: Uncertain significance. Last evaluated: 2023-11-16. Review status: criteria provided, single submitter. Criteria: Invitae Variant Classification Sherloc (09022015). Collection method: clinical testing. Allele origin: germline.
Comment: This sequence change replaces asparagine, which is neutral and polar, with serine, which is neutral and polar, at codon 673 of the EEF2 protein (p.Asn673Ser). This variant is present in population databases (rs144336814, gnomAD 0.01%). This variant has not been reported in the literature in individuals affected with EEF2-related conditions. Advanced modeling of protein sequence and biophysical properties (such as structural, functional, and spatial information, amino acid conservation, physicochemical variation, residue mobility, and thermodynamic stability) performed at Invitae indicates that this missense variant is not expected to disrupt EEF2 protein function with a negative predictive value of 80%. In summary, the available evidence is currently insufficient to determine the role of this variant in disease. Therefore, it has been classified as a Variant of Uncertain Significance.